The following is an entry in ClinVar:

NM_000238.4(KCNH2):c.2697G>A (p.Thr899=)

Gene: KCNH2 (potassium voltage-gated channel subfamily H member 2; minus strand). Cytogenetic location: 7q36.1.
Variant type: single nucleotide variant.
Coding change: c.2697G>A on transcript NM_000238.4 (MANE Select); coding-DNA position 2697, G replaced by A.
Protein change: p.Thr899=; no amino-acid change (threonine 899 retained).
Molecular consequence: synonymous variant.
Genome position (GRCh38, 1-based): chr7:150,947,874, C>T on the plus strand (G>A on the coding strand, the complement: KCNH2 is on the minus strand). VCF-style: chr7-150947874-C-T. GRCh37 (hg19) VCF-style: chr7-150644962-C-T.
Other names: c.1677G>A, p.Thr559= (NM_172057.3).
Identifiers: ClinVar variation 1084471 (VCV001084471.28), dbSNP rs1171773594, ClinGen allele CA458870920.

ClinVar aggregate classification (germline): Likely benign. Review status: criteria provided, multiple submitters, no conflicts (2 of 4 stars). 3 submissions from 3 submitters: Likely benign (3). Last evaluated 2026-06-01.

Conditions:
Cardiac arrhythmia. Also called: Arrhythmia; Cardiac rhythm disease. Identifiers: MedGen C0003811, MONDO:0007263, HP:0011675.
Long QT syndrome (LQTS). Identifiers: MedGen C0023976, MeSH D008133, MONDO:0002442. Disease mechanism: loss of function. Inheritance: Various modes of inheritance.

Allele frequency attached by ClinVar (database versions not stated): TOPMed below 0.00001.
gnomAD v4.1: 13 of 1,530,382 alleles (0.00085%); highest among the groups gnomAD compares: South Asian, 0.0012%; no homozygotes.

Submissions (3):

CeGaT Center for Human Genetics Tuebingen
Classification: Likely benign. Last evaluated: 2026-06-01. Review status: criteria provided, single submitter. Criteria: CeGaT Center For Human Genetics Tuebingen Variant Classification Criteria Version 2. Collection method: clinical testing. Allele origin: germline. Affected: yes. Observed: 2 variant alleles.
Comment: KCNH2: BP4, BP7

Labcorp Genetics (formerly Invitae), Labcorp
Classification: Likely benign for Long QT syndrome. Last evaluated: 2025-10-11. Review status: criteria provided, single submitter. Criteria: Invitae Variant Classification Sherloc (09022015). Collection method: clinical testing. Allele origin: germline.

Color Diagnostics, LLC DBA Color Health
Classification: Likely benign for Cardiac arrhythmia. Last evaluated: 2022-11-06. Review status: criteria provided, single submitter. Criteria: ACMG Guidelines, 2015. Collection method: clinical testing. Allele origin: germline.